The following is an entry in ClinVar:

ClinVar aggregate classification (germline): Benign. Review status: criteria provided, multiple submitters, no conflicts (2 of 4 stars). 3 submissions from 3 submitters: Benign (3). Last evaluated 2022-07-22.

Allele frequency attached by ClinVar (database versions not stated): gnomAD exomes 0.04283 and 0.05391; ExAC 0.08455; gnomAD 0.11998 and 0.11495; TOPMed 0.12673; ESP Exome Variant Server 0.09261; 1000 Genomes Project 0.13239; 1000 Genomes Project 30x 0.13460.
gnomAD v4.1: 79,834 of 1,586,820 alleles (5%); highest among the groups gnomAD compares: African/African-American, 31%; 4,748 homozygotes.

Submissions (3):

Mayo Clinic Laboratories, Mayo Clinic
Classification: Benign. Last evaluated: 2022-07-22. Review status: criteria provided, single submitter. Criteria: ACMG Guidelines, 2015. Collection method: clinical testing. Allele origin: germline. Observed: 11 variant alleles.

GeneDx
Classification: Benign. Last evaluated: 2014-01-15. Review status: criteria provided, single submitter. Criteria: GeneDx Variant Classification (06012015). Collection method: clinical testing. Allele origin: germline. Affected: yes.
Comment: This variant is considered likely benign or benign based on one or more of the following criteria: it is a conservative change, it occurs at a poorly conserved position in the protein, it is predicted to be benign by multiple in silico algorithms, and/or has population frequency not consistent with disease.

Breakthrough Genomics
Classification: Benign. Review status: criteria provided, single submitter. Criteria: ACMG Guidelines, 2015. Collection method: not provided. Allele origin: germline. Inheritance: Autosomal recessive inheritance. Affected: yes.

NM_016579.4(CD320):c.-2G>A

Gene: CD320 (CD320 molecule; minus strand). Cytogenetic location: 19p13.2.
Variant type: single nucleotide variant.
Coding change: c.-2G>A on transcript NM_016579.4 (MANE Select); 2 bases upstream of the start codon, G replaced by A.
Molecular consequence: 5 prime UTR variant.
Genome position (GRCh38, 1-based): chr19:8,308,292, C>T on the plus strand (G>A on the coding strand, the complement: CD320 is on the minus strand). VCF-style: chr19-8308292-C-T. GRCh37 (hg19) VCF-style: chr19-8373176-C-T.
Other names: c.-2G>A (NM_001165895.2).
Identifiers: ClinVar variation 136682 (VCV000136682.3), dbSNP rs2232773, ClinGen allele CA289986.
Genomic context (GRCh38, chr19:8,308,292, plus strand): 5'-GCCAGGCCCAGAGCCCCTGTTCGCCACGCTCCAACCTGCGCCATCCAACCGCCGCTCATG[C>T]TGTCCCCACAGCGGCGCCGGCCACGCGCTGTCCAGACCGCTCTCTTATCCCTGCGCACGC-3'